The following is an entry in ClinVar:

ClinVar aggregate classification (germline): Uncertain significance (1 of 4 stars; one submission).

gnomAD v4.1: 13 of 1,555,850 alleles (0.00084%); highest among the groups gnomAD compares: Non-Finnish European, 0.001%; no homozygotes.

Submission:

Labcorp Genetics (formerly Invitae), Labcorp
Classification: Uncertain significance. Last evaluated: 2025-08-11. Review status: criteria provided, single submitter. Criteria: Invitae Variant Classification Sherloc (09022015). Collection method: clinical testing. Allele origin: germline.
Comment: This sequence change affects a donor splice site in intron 5 of the COL9A2 gene. Variants that disrupt the donor or acceptor splice site typically lead to a loss of protein function (PMID: 16199547), however it is unknown whether splice variants in this region will result in a loss of function. This variant is present in population databases (no rsID available, gnomAD 0.002%). This variant has not been reported in the literature in individuals affected with COL9A2-related conditions. ClinVar contains an entry for this variant (Variation ID: 1934081). Algorithms developed to predict the effect of sequence changes on RNA splicing suggest that this variant may disrupt the consensus splice site. In summary, the available evidence is currently insufficient to determine the role of this variant in disease. Therefore, it has been classified as a Variant of Uncertain Significance.

Literature cited by the submitters: PubMed 16199547.

NM_001852.4(COL9A2):c.303+2T>G

Gene: COL9A2 (collagen type IX alpha 2 chain; minus strand). Cytogenetic location: 1p34.2.
Variant type: single nucleotide variant.
Coding change: c.303+2T>G on transcript NM_001852.4 (MANE Select); the canonical splice donor site of the intron after coding-DNA position 303, T replaced by G.
Molecular consequence: splice donor variant.
Genome position (GRCh38, 1-based): chr1:40,312,729, A>C on the plus strand (T>G on the coding strand, the complement: COL9A2 is on the minus strand). VCF-style: chr1-40312729-A-C. GRCh37 (hg19) VCF-style: chr1-40778401-A-C.
Identifiers: ClinVar variation 1934081 (VCV001934081.5), dbSNP rs764175791, ClinGen allele CA339857320.